The following is an entry in ClinVar:

NM_001985.3(ETFB):c.597+191G>A

Gene: ETFB (electron transfer flavoprotein subunit beta; minus strand). Cytogenetic location: 19q13.41.
Variant type: single nucleotide variant.
Coding change: c.597+191G>A on transcript NM_001985.3 (MANE Select); 191 bases into the intron after coding-DNA position 597, G replaced by A.
Molecular consequence: intron variant.
Genome position (GRCh38, 1-based): chr19:51,346,709, C>T on the plus strand (G>A on the coding strand, the complement: ETFB is on the minus strand). VCF-style: chr19-51346709-C-T. GRCh37 (hg19) VCF-style: chr19-51849963-C-T.
Other names: c.870+191G>A (NM_001014763.1).
Identifiers: ClinVar variation 681626 (VCV000681626.2), dbSNP rs67340400, ClinGen allele CA14678226.

ClinVar aggregate classification (germline): Benign. Review status: criteria provided, multiple submitters, no conflicts (2 of 4 stars). 2 submissions from 2 submitters: Benign (2). Last evaluated 2018-06-14.

Allele frequency attached by ClinVar (database versions not stated): gnomAD exomes 0.09397; gnomAD 0.10062 and 0.10205; TOPMed 0.10613; 1000 Genomes Project 0.11581; 1000 Genomes Project 30x 0.11774.
gnomAD v4.1: 58,462 of 608,332 alleles (9.6%); highest among the groups gnomAD compares: Middle Eastern, 16%; 3,121 homozygotes.

Submissions (2):

GeneDx
Classification: Benign. Last evaluated: 2018-06-14. Review status: criteria provided, single submitter. Criteria: GeneDx Variant Classification (06012015). Collection method: clinical testing. Allele origin: germline. Affected: yes.
Comment: This variant is considered likely benign or benign based on one or more of the following criteria: it is a conservative change, it occurs at a poorly conserved position in the protein, it is predicted to be benign by multiple in silico algorithms, and/or has population frequency not consistent with disease.

Breakthrough Genomics
Classification: Benign. Review status: criteria provided, single submitter. Criteria: ACMG Guidelines, 2015. Collection method: not provided. Allele origin: germline. Inheritance: Autosomal recessive inheritance. Affected: yes.